The following is an entry in ClinVar:

ClinVar aggregate classification (germline): Uncertain significance. Review status: criteria provided, single submitter (1 of 4 stars). 2 submissions from 2 submitters: Uncertain significance (1). 1 of the submissions does not count toward it. Last evaluated 2020-01-18.

Conditions:
Creatine deficiency syndrome 1.

Submissions (2):

GeneDx
Classification: Uncertain significance. Last evaluated: 2020-01-18. Review status: criteria provided, single submitter. Criteria: GeneDx Variant Classification Process June 2021. Collection method: clinical testing. Allele origin: germline. Affected: yes.
Comment: Not observed in large population cohorts (Lek et al., 2016); In silico analysis, which includes protein predictors and evolutionary conservation, supports a deleterious effect; Has not been previously published as pathogenic or benign to our knowledge

Natera, Inc.
Classification: Uncertain significance for Creatine deficiency syndrome 1. Last evaluated: 2025-04-27. Review status: no assertion criteria provided. Collection method: clinical testing. Allele origin: germline. Not counted in ClinVar's aggregate classification.

NM_005629.4(SLC6A8):c.905C>G (p.Ser302Cys)

Gene: SLC6A8 (solute carrier family 6 member 8; plus strand). Cytogenetic location: Xq28.
Variant type: single nucleotide variant.
Coding change: c.905C>G on transcript NM_005629.4 (MANE Select); coding-DNA position 905, C replaced by G.
Protein change: p.Ser302Cys; replaces serine 302 with cysteine.
Molecular consequence: missense variant.
Genome position (GRCh38, 1-based): chrX:153,693,168, C>G. VCF-style: chrX-153693168-C-G. GRCh37 (hg19) VCF-style: chrX-152958623-C-G.
Other names: c.905C>G, p.Ser302Cys (NM_001142805.2); c.560C>G, p.Ser187Cys (NM_001142806.1); short protein forms S187C, S302C.
Identifiers: ClinVar variation 1212362 (VCV001212362.4), dbSNP rs1183910478, ClinGen allele CA415084270.